The following is an entry in ClinVar:

ClinVar aggregate classification (germline): not provided (0 of 4 stars; one submission).

Conditions:
Tuberous sclerosis 2 (TSC2). Identifiers: Orphanet 805, MedGen C1860707, MONDO:0013199, OMIM 613254.

Submission:

Hubei Clinical and Research Center of Thrombosis and Hemostasis Institute of Hematology, Union Hospital
No classification provided. Review status: no classification provided. Collection method: not provided. Allele origin: not provided.
Comment: test comment3

NM_000488.4(SERPINC1):c.116_123del (p.Ile39fs)

Gene: SERPINC1 (serpin family C member 1; minus strand). Cytogenetic location: 1q25.1.
Variant type: Deletion.
Coding change: c.116_123del on transcript NM_000488.4 (MANE Select); coding-DNA positions 116 to 123, 8 bases deleted (TCTGCACA; older notation c.116_123delTCTGCACA).
Protein change: p.Ile39fs; shifts the reading frame from isoleucine 39.
Molecular consequence: frameshift variant. On other transcripts: 5 prime UTR variant (1).
Genome position (GRCh38, 1-based): chr1:173,914,838-173,914,845, TGTGCAGA deleted on the plus strand (TCTGCACA on the coding strand, the reverse complement: SERPINC1 is on the minus strand); deleting any 8 consecutive bases within chr1:173,914,838-173,914,848 gives the same sequence; the c. name uses the placement nearest the transcript's 3' end. VCF-style (leftmost placement, unchanged base first): chr1-173914837-CTGTGCAGA-C. GRCh37 (hg19) VCF-style: chr1-173883975-CTGTGCAGA-C.
Other names: c.-29_-22del (NM_001365052.2); c.116_123del, p.Ile39fs (NM_001386302.1, NM_001386304.1, NM_001386305.1 and 1 more transcripts); c.197_204del, p.Ile66fs (NM_001386303.1); c.116_123delTCTGCACA (NM_000488.3); short protein forms I39fs, I66fs.
Identifiers: ClinVar variation 100926 (VCV000100926.1), dbSNP rs483352844, ClinGen allele CA150674.